The following is an entry in ClinVar:

ClinVar aggregate classification (germline): Benign/Likely benign. Review status: criteria provided, multiple submitters, no conflicts (2 of 4 stars). 5 submissions from 5 submitters: Benign (1); Likely benign (4). Last evaluated 2026-01-18.

Conditions:
Glycogen storage disease IXa1. Also called: LIVER GLYCOGENOSIS, X-LINKED, TYPE I; GLYCOGEN STORAGE DISEASE VIII; GSD VIII; Glycogen storage disease 8. Identifiers: Orphanet 264580, MedGen C3694531, MONDO:0010598, OMIM 306000.

Allele frequency attached by ClinVar (database versions not stated): 1000 Genomes Project 30x 0.00021; 1000 Genomes Project 0.00026; TOPMed 0.00069; ESP Exome Variant Server 0.00076; gnomAD 0.00076; ExAC 0.00087; gnomAD exomes 0.00087 and 0.00181.
gnomAD v4.1: 2,033 of 1,209,646 alleles (0.17%); highest among the groups gnomAD compares: Non-Finnish European, 0.21%; 6 homozygotes.

Submissions (5):

Labcorp Genetics (formerly Invitae), Labcorp
Classification: Benign for Glycogen storage disease IXa1. Last evaluated: 2026-01-18. Review status: criteria provided, single submitter. Criteria: Invitae Variant Classification Sherloc (09022015). Collection method: clinical testing. Allele origin: germline.

Blueprint Genetics
Classification: Likely benign. Last evaluated: 2024-11-19. Review status: criteria provided, single submitter. Criteria: ACMG Guidelines, 2015. Collection method: clinical testing. Allele origin: germline.

Fulgent Genetics
Classification: Likely benign for Glycogen storage disease IXa1. Last evaluated: 2021-10-14. Review status: criteria provided, single submitter. Criteria: ACMG Guidelines, 2015. Collection method: clinical testing. Allele origin: unknown.

GeneDx
Classification: Likely benign. Last evaluated: 2018-02-12. Review status: criteria provided, single submitter. Criteria: GeneDx Variant Classification (06012015). Collection method: clinical testing. Allele origin: germline. Affected: yes.
Comment: This variant is considered likely benign or benign based on one or more of the following criteria: it is a conservative change, it occurs at a poorly conserved position in the protein, it is predicted to be benign by multiple in silico algorithms, and/or has population frequency not consistent with disease.

Breakthrough Genomics
Classification: Likely benign. Review status: criteria provided, single submitter. Criteria: ACMG Guidelines, 2015. Collection method: not provided. Allele origin: germline. Inheritance: X-linked inheritance. Affected: yes.

NM_000292.3(PHKA2):c.3243C>T (p.Pro1081=)

Gene: PHKA2 (phosphorylase kinase regulatory subunit alpha 2; minus strand). Cytogenetic location: Xp22.13.
Variant type: single nucleotide variant.
Coding change: c.3243C>T on transcript NM_000292.3 (MANE Select); coding-DNA position 3243, C replaced by T.
Protein change: p.Pro1081=; no amino-acid change (proline 1081 retained).
Molecular consequence: synonymous variant.
Genome position (GRCh38, 1-based): chrX:18,897,202, G>A on the plus strand (C>T on the coding strand, the complement: PHKA2 is on the minus strand). VCF-style: chrX-18897202-G-A. GRCh37 (hg19) VCF-style: chrX-18915320-G-A.
Identifiers: ClinVar variation 384586 (VCV000384586.14), dbSNP rs150764699, ClinGen allele CA10361388.